The following is an entry in ClinVar:

NM_000059.4(BRCA2):c.7957C>G (p.Leu2653Val)

Gene: BRCA2 (BRCA2 DNA repair associated; plus strand). Cytogenetic location: 13q13.1.
Variant type: single nucleotide variant.
Coding change: c.7957C>G on transcript NM_000059.4 (MANE Select); coding-DNA position 7957, C replaced by G.
Protein change: p.Leu2653Val; replaces leucine 2653 with valine.
Molecular consequence: missense variant. On other transcripts: non-coding transcript variant (1).
Genome position (GRCh38, 1-based): chr13:32,362,674, C>G. VCF-style: chr13-32362674-C-G. GRCh37 (hg19) VCF-style: chr13-32936811-C-G.
Other names: c.7861C>G, p.Leu2621Val (NM_001406719.1); c.7957C>G, p.Leu2653Val (NM_001406720.1); c.3025C>G, p.Leu1009Val (NM_001406721.1); c.1540C>G, p.Leu514Val (NM_001406722.1); short protein forms L1009V, L2621V, L2653V, L514V.
Identifiers: ClinVar variation 3229014 (VCV003229014.1), dbSNP rs151118936, ClinGen allele CA387747272.

ClinVar aggregate classification (germline): Uncertain significance (1 of 4 stars; one submission).

Conditions:
Hereditary cancer-predisposing syndrome. Also called: Neoplastic Syndromes, Hereditary; Tumor predisposition; Hereditary neoplastic syndrome; Hereditary Cancer Syndrome. Identifiers: Orphanet 140162, MedGen C0027672, MeSH D009386, MONDO:0015356.

Submission:

Ambry Genetics
Classification: Uncertain significance for Hereditary cancer-predisposing syndrome. Last evaluated: 2023-09-20. Review status: criteria provided, single submitter. Criteria: Ambry Variant Classification Scheme 2023. Collection method: clinical testing. Allele origin: germline.
Comment: The p.L2653V variant (also known as c.7957C>G), located in coding exon 16 of the BRCA2 gene, results from a C to G substitution at nucleotide position 7957. The leucine at codon 2653 is replaced by valine, an amino acid with highly similar properties. This amino acid position is highly conserved in available vertebrate species. In addition, the in silico prediction for this alteration is inconclusive. Since supporting evidence is limited at this time, the clinical significance of this alteration remains unclear.